The following is an entry in ClinVar:

NM_003242.6(TGFBR2):c.322T>G (p.Tyr108Asp)

Gene: TGFBR2 (transforming growth factor beta receptor 2; plus strand). Cytogenetic location: 3p24.1.
Variant type: single nucleotide variant.
Coding change: c.322T>G on transcript NM_003242.6 (MANE Select); coding-DNA position 322, T replaced by G.
Protein change: p.Tyr108Asp; replaces tyrosine 108 with aspartic acid.
Molecular consequence: missense variant. On other transcripts: intron variant (2).
Genome position (GRCh38, 1-based): chr3:30,650,328, T>G. VCF-style: chr3-30650328-T-G. GRCh37 (hg19) VCF-style: chr3-30691820-T-G.
Other names: c.397T>G, p.Tyr133Asp (NM_001024847.3, NM_001407126.1, NM_001407139.1); c.322T>G, p.Tyr108Asp (NM_001407127.1, NM_001407130.1); c.349T>G, p.Tyr117Asp (NM_001407128.1); c.217T>G, p.Tyr73Asp (NM_001407129.1, NM_001407132.1, NM_001407133.1 and 3 more transcripts); c.170-21310T>G (NM_001407137.1); c.95-21310T>G (NM_001407138.1); short protein forms Y108D, Y117D, Y73D, Y133D.
Identifiers: ClinVar variation 3635612 (VCV003635612.2).
Genomic context (GRCh38, chr3:30,650,328, plus strand): 5'-AGGAGAAAGAATGACGAGAACATAACACTAGAGACAGTTTGCCATGACCCCAAGCTCCCC[T>G]ACCATGACTTTATTCTGGAAGATGCTGCTTCTCCAAAGTGCATTATGAAGGAAAAAAAAA-3'
Protein context (NP_003233.4, residues 98-118): ETVCHDPKLP[Tyr108Asp]HDFILEDAAS

ClinVar aggregate classification (germline): Uncertain significance (1 of 4 stars; one submission).

Conditions:
Familial thoracic aortic aneurysm and aortic dissection (TAAD). Also called: Thoracic aortic aneurysms and dissections. Identifiers: Orphanet 91387, MedGen C4707243, MONDO:0019625.

Submission:

Labcorp Genetics (formerly Invitae), Labcorp
Classification: Uncertain significance for Familial thoracic aortic aneurysm and aortic dissection. Last evaluated: 2024-11-06. Review status: criteria provided, single submitter. Criteria: Invitae Variant Classification Sherloc (09022015). Collection method: clinical testing. Allele origin: germline.
Comment: This sequence change replaces tyrosine, which is neutral and polar, with aspartic acid, which is acidic and polar, at codon 108 of the TGFBR2 protein (p.Tyr108Asp). This variant is not present in population databases (gnomAD no frequency). This variant has not been reported in the literature in individuals affected with TGFBR2-related conditions. Invitae Evidence Modeling of protein sequence and biophysical properties (such as structural, functional, and spatial information, amino acid conservation, physicochemical variation, residue mobility, and thermodynamic stability) indicates that this missense variant is not expected to disrupt TGFBR2 protein function with a negative predictive value of 95%. In summary, the available evidence is currently insufficient to determine the role of this variant in disease. Therefore, it has been classified as a Variant of Uncertain Significance.